The following is an entry in ClinVar:

NM_004104.5(FASN):c.736A>G (p.Ile246Val)

Gene: FASN (fatty acid synthase; minus strand). Cytogenetic location: 17q25.3.
Variant type: single nucleotide variant.
Coding change: c.736A>G on transcript NM_004104.5 (MANE Select); coding-DNA position 736, A replaced by G.
Protein change: p.Ile246Val; replaces isoleucine 246 with valine.
Molecular consequence: missense variant.
Genome position (GRCh38, 1-based): chr17:82,092,939, T>C on the plus strand (A>G on the coding strand, the complement: FASN is on the minus strand). VCF-style: chr17-82092939-T-C. GRCh37 (hg19) VCF-style: chr17-80050815-T-C.
Other names: short protein forms I246V.
Identifiers: ClinVar variation 838637 (VCV000838637.1), dbSNP rs1598583548, ClinGen allele CA401563275.

ClinVar aggregate classification (germline): Uncertain significance (1 of 4 stars; one submission).

Conditions:
Epileptic encephalopathy. Identifiers: MedGen C0543888, HP:0200134.

Submission:

Labcorp Genetics (formerly Invitae), Labcorp
Classification: Uncertain significance for Epileptic encephalopathy. Last evaluated: 2019-07-31. Review status: criteria provided, single submitter. Criteria: Invitae Variant Classification Sherloc (09022015). Collection method: clinical testing. Allele origin: germline.
Comment: This sequence change replaces isoleucine with valine at codon 246 of the FASN protein (p.Ile246Val). The isoleucine residue is moderately conserved and there is a small physicochemical difference between isoleucine and valine. This variant is not present in population databases (ExAC no frequency). This variant has not been reported in the literature in individuals with FASN-related conditions. Algorithms developed to predict the effect of missense changes on protein structure and function output the following: SIFT: "Tolerated"; PolyPhen-2: "Benign"; Align-GVGD: "Class C0". The valine amino acid residue is found in multiple mammalian species, suggesting that this missense change does not adversely affect protein function. These predictions have not been confirmed by published functional studies and their clinical significance is uncertain. In summary, the available evidence is currently insufficient to determine the role of this variant in disease. Therefore, it has been classified as a Variant of Uncertain Significance.